The following is an entry in ClinVar:

NM_001363711.2(DUOX2):c.890C>T (p.Ala297Val)

Gene: DUOX2 (dual oxidase 2; minus strand). Cytogenetic location: 15q21.1.
Variant type: single nucleotide variant.
Coding change: c.890C>T on transcript NM_001363711.2 (MANE Select); coding-DNA position 890, C replaced by T.
Protein change: p.Ala297Val; replaces alanine 297 with valine.
Molecular consequence: missense variant.
Genome position (GRCh38, 1-based): chr15:45,110,703, G>A on the plus strand (C>T on the coding strand, the complement: DUOX2 is on the minus strand). VCF-style: chr15-45110703-G-A. GRCh37 (hg19) VCF-style: chr15-45402901-G-A.
Other names: c.890C>T, p.Ala297Val (NM_014080.5); short protein forms A297V.
Identifiers: ClinVar variation 1410952 (VCV001410952.8), dbSNP rs751847779, ClinGen allele CA7538847.
Genomic context (GRCh38, chr15:45,110,703, plus strand): 5'-CCCTCACCTGTATACTCCGGGAGTGTTTTCTGCAGGAAGCTGGGCAGCCACTCATACACA[G>A]CGATGTTCTGAGGGGCAGAGAGGGGCGAGGGGAGGCACAAGTTGGATGGTGTGGGGCCTG-3'
Protein context (NP_001350640.1, residues 287-307): KRVIATYQNI[Ala297Val]VYEWLPSFLQ

ClinVar aggregate classification (germline): Uncertain significance (1 of 4 stars; one submission).

Allele frequency attached by ClinVar (database versions not stated): gnomAD exomes 0.00004 and 0.00003; ExAC 0.00006; gnomAD 0.00001; TOPMed 0.00001.
gnomAD v4.1: 37 of 1,612,188 alleles (0.0023%); highest among the groups gnomAD compares: South Asian, 0.031%; no homozygotes.

Submission:

Labcorp Genetics (formerly Invitae), Labcorp
Classification: Uncertain significance. Last evaluated: 2026-01-17. Review status: criteria provided, single submitter. Criteria: Invitae Variant Classification Sherloc (09022015). Collection method: clinical testing. Allele origin: germline.
Comment: This sequence change replaces alanine, which is neutral and non-polar, with valine, which is neutral and non-polar, at codon 297 of the DUOX2 protein (p.Ala297Val). This variant is present in population databases (rs751847779, gnomAD 0.03%). This variant has not been reported in the literature in individuals affected with DUOX2-related conditions. ClinVar contains an entry for this variant (Variation ID: 1410952). Invitae Evidence Modeling of protein sequence and biophysical properties (such as structural, functional, and spatial information, amino acid conservation, physicochemical variation, residue mobility, and thermodynamic stability) indicates that this missense variant is not expected to disrupt DUOX2 protein function with a negative predictive value of 80%. In summary, the available evidence is currently insufficient to determine the role of this variant in disease. Therefore, it has been classified as a Variant of Uncertain Significance.